The following is an entry in ClinVar:

NM_001322934.2(NFKB2):c.1378G>A (p.Ala460Thr)

Gene: NFKB2 (nuclear factor kappa B subunit 2; plus strand). Cytogenetic location: 10q24.32.
Variant type: single nucleotide variant.
Coding change: c.1378G>A on transcript NM_001322934.2 (MANE Select); coding-DNA position 1378, G replaced by A.
Protein change: p.Ala460Thr; replaces alanine 460 with threonine.
Molecular consequence: missense variant.
Genome position (GRCh38, 1-based): chr10:102,399,627, G>A. VCF-style: chr10-102399627-G-A. GRCh37 (hg19) VCF-style: chr10-104159384-G-A.
Other names: c.1378G>A, p.Ala460Thr (LRG_1347t1, NM_001077494.3, NM_001261403.3 and 2 more transcripts); c.1252G>A, p.Ala418Thr (NM_001322935.1); short protein forms A418T, A460T.
Identifiers: ClinVar variation 651104 (VCV000651104.7), dbSNP rs778522439, ClinGen allele CA5664808.

ClinVar aggregate classification (germline): Uncertain significance (1 of 4 stars; one submission).

Conditions:
Immunodeficiency, common variable, 10. Also called: DEFICIT IN ANTERIOR PITUITARY FUNCTION AND VARIABLE IMMUNODEFICIENCY; IMMUNODEFICIENCY, COMMON VARIABLE, WITH CENTRAL ADRENAL INSUFFICIENCY. Identifiers: MedGen C3809991, MONDO:0014260, OMIM 615577.

Allele frequency attached by ClinVar (database versions not stated): TOPMed below 0.00001; gnomAD 0.00001; gnomAD exomes 0.00001; ExAC 0.00009.
gnomAD v4.1: 13 of 1,545,262 alleles (0.00084%); highest among the groups gnomAD compares: South Asian, 0.0012%; no homozygotes.

Submission:

Labcorp Genetics (formerly Invitae), Labcorp
Classification: Uncertain significance for Immunodeficiency, common variable, 10. Last evaluated: 2025-06-09. Review status: criteria provided, single submitter. Criteria: Invitae Variant Classification Sherloc (09022015). Collection method: clinical testing. Allele origin: germline.
Comment: This sequence change replaces alanine, which is neutral and non-polar, with threonine, which is neutral and polar, at codon 460 of the NFKB2 protein (p.Ala460Thr). This variant is present in population databases (rs778522439, gnomAD 0.004%). This variant has not been reported in the literature in individuals affected with NFKB2-related conditions. ClinVar contains an entry for this variant (Variation ID: 651104). An algorithm developed to predict the effect of missense changes on protein structure and function (PolyPhen-2) suggests that this variant is likely to be disruptive. In summary, the available evidence is currently insufficient to determine the role of this variant in disease. Therefore, it has been classified as a Variant of Uncertain Significance.